The following is an entry in ClinVar:

ClinVar aggregate classification (germline): Uncertain significance (1 of 4 stars; one submission).

Submission:

Labcorp Genetics (formerly Invitae), Labcorp
Classification: Uncertain significance. Last evaluated: 2023-06-04. Review status: criteria provided, single submitter. Criteria: Invitae Variant Classification Sherloc (09022015). Collection method: clinical testing. Allele origin: germline.
Comment: Advanced modeling of protein sequence and biophysical properties (such as structural, functional, and spatial information, amino acid conservation, physicochemical variation, residue mobility, and thermodynamic stability) performed at Invitae indicates that this missense variant is not expected to disrupt LZTFL1 protein function. In summary, the available evidence is currently insufficient to determine the role of this variant in disease. Therefore, it has been classified as a Variant of Uncertain Significance. This variant is not present in population databases (gnomAD no frequency). This sequence change replaces tyrosine, which is neutral and polar, with serine, which is neutral and polar, at codon 78 of the LZTFL1 protein (p.Tyr78Ser). This variant has not been reported in the literature in individuals affected with LZTFL1-related conditions.

NM_020347.4(LZTFL1):c.233A>C (p.Tyr78Ser)

Gene: LZTFL1 (leucine zipper transcription factor like 1; minus strand). Cytogenetic location: 3p21.31.
Variant type: single nucleotide variant.
Coding change: c.233A>C on transcript NM_020347.4 (MANE Select); coding-DNA position 233, A replaced by C.
Protein change: p.Tyr78Ser; replaces tyrosine 78 with serine.
Molecular consequence: missense variant. On other transcripts: non-coding transcript variant (2).
Genome position (GRCh38, 1-based): chr3:45,835,680, T>G on the plus strand (A>C on the coding strand, the complement: LZTFL1 is on the minus strand). VCF-style: chr3-45835680-T-G. GRCh37 (hg19) VCF-style: chr3-45877172-T-G.
Other names: c.182A>C, p.Tyr61Ser (NM_001276378.2, NM_001386451.1, NM_001405922.1 and 4 more transcripts); c.221A>C, p.Tyr74Ser (NM_001276379.2, NM_001405921.1); c.233A>C, p.Tyr78Ser (NM_001386452.1, NM_001405924.1); c.257A>C, p.Tyr86Ser (NM_001405920.1, NM_001405925.1); short protein forms Y78S, Y86S, Y61S, Y74S.
Identifiers: ClinVar variation 2767193 (VCV002767193.3), dbSNP rs899353231, ClinGen allele CA352453856.
Genomic context (GRCh38, chr3:45,835,680, plus strand): 5'-AGCTTAAGATACCACTTCTCAGCTTGTGCAAACAGCTGTCGCAGAAGTAACACATTGGTA[T>G]AGGCAGTGTTGATGAGCTCAGATTCCACCTCACTATGAACCACAGCTTGTAATCCATTGA-3'
Protein context (NP_065080.1, residues 68-88): EVESELINTA[Tyr78Ser]TNVLLLRQLF